The following is an entry in ClinVar:

ClinVar aggregate classification (germline): Uncertain significance (1 of 4 stars; one submission).

Conditions:
Hereditary cancer-predisposing syndrome. Also called: Neoplastic Syndromes, Hereditary; Tumor predisposition; Hereditary Cancer Syndrome; Hereditary neoplastic syndrome. Identifiers: Orphanet 140162, MedGen C0027672, MeSH D009386, MONDO:0015356.

gnomAD v4.1: 2 of 1,613,228 alleles (0.00012%); highest among the groups gnomAD compares: Non-Finnish European, 0.00017%; no homozygotes.

Submission:

Ambry Genetics
Classification: Uncertain significance for Hereditary cancer-predisposing syndrome. Last evaluated: 2026-03-14. Review status: criteria provided, single submitter. Criteria: Ambry Variant Classification Scheme 2023. Collection method: clinical testing. Allele origin: germline.
Comment: The p.R725P variant (also known as c.2174G>C), located in coding exon 17 of the POLD1 gene, results from a G to C substitution at nucleotide position 2174. The arginine at codon 725 is replaced by proline, an amino acid with dissimilar properties. This amino acid position is conserved. In addition, this alteration is predicted to be deleterious by in silico analysis. Based on the available evidence, the clinical significance of this variant remains unclear.

NM_002691.4(POLD1):c.2174G>C (p.Arg725Pro)

Gene: POLD1 (DNA polymerase delta 1, catalytic subunit; plus strand). Cytogenetic location: 19q13.33.
Variant type: single nucleotide variant.
Coding change: c.2174G>C on transcript NM_002691.4 (MANE Select); coding-DNA position 2174, G replaced by C.
Protein change: p.Arg725Pro; replaces arginine 725 with proline.
Molecular consequence: missense variant. On other transcripts: non-coding transcript variant (1).
Genome position (GRCh38, 1-based): chr19:50,413,445, G>C. VCF-style: chr19-50413445-G-C. GRCh37 (hg19) VCF-style: chr19-50916702-G-C.
Other names: c.2174G>C, p.Arg725Pro (NM_001256849.1, NM_001438212.1, NM_001438213.1); c.2252G>C, p.Arg751Pro (NM_001308632.1); c.2102G>C, p.Arg701Pro (NM_001438210.1, NM_001438211.1); short protein forms R701P, R725P, R751P.
Identifiers: ClinVar variation 4842966 (VCV004842966.1).
Genomic context (GRCh38, chr19:50,413,445, plus strand): 5'-GGCCCCCAGGGCTTCACTCCGCATGATTCTCTCCCCGACAGAGCGTCACGGGGTTCGGAC[G>C]TCAGATGATCGAGAAAACCAAGCAGCTGGTGGAGTCTAAGTACACAGTGGAGAATGGCTA-3'
Protein context (NP_002682.2, residues 715-735): EISQSVTGFG[Arg725Pro]QMIEKTKQLV